The following is an entry in ClinVar:

NM_004415.4(DSP):c.506G>A (p.Gly169Asp)

Gene: DSP (desmoplakin; plus strand). Cytogenetic location: 6p24.3.
Variant type: single nucleotide variant.
Coding change: c.506G>A on transcript NM_004415.4 (MANE Select); coding-DNA position 506, G replaced by A.
Protein change: p.Gly169Asp; replaces glycine 169 with aspartic acid.
Molecular consequence: missense variant.
Genome position (GRCh38, 1-based): chr6:7,559,309, G>A. VCF-style: chr6-7559309-G-A. GRCh37 (hg19) VCF-style: chr6-7559542-G-A.
Other names: c.506G>A, p.Gly169Asp (NM_001008844.3, NM_001319034.2); short protein forms G169D.
Identifiers: ClinVar variation 1352345 (VCV001352345.5), dbSNP rs1758605175, ClinGen allele CA362672455.

ClinVar aggregate classification (germline): Uncertain significance (1 of 4 stars; one submission).

Conditions:
Arrhythmogenic cardiomyopathy with wooly hair and keratoderma. Also called: Dilated cardiomyopathy with woolly hair and keratoderma; Arrhythmogenic cardiomyopathy with woolly hair and keratoderma; PALMOPLANTAR KERATODERMA WITH LEFT VENTRICULAR CARDIOMYOPATHY AND WOOLLY HAIR; Carvajal syndrome. Identifiers: Orphanet 65282, MedGen C1854063, MONDO:0011581, OMIM 605676.
Arrhythmogenic right ventricular dysplasia 8 (ARVD8). Also called: Arrhythmogenic Right Ventricular Dysplasia/Cardiomyopathy 8; ARRHYTHMOGENIC RIGHT VENTRICULAR DYSPLASIA, FAMILIAL, 8; ARRHYTHMOGENIC RIGHT VENTRICULAR CARDIOMYOPATHY 8. Identifiers: MedGen C1843896, MONDO:0011831, OMIM 607450.

Submission:

Labcorp Genetics (formerly Invitae), Labcorp
Classification: Uncertain significance for Arrhythmogenic cardiomyopathy with wooly hair and keratoderma; Arrhythmogenic right ventricular dysplasia 8. Last evaluated: 2021-08-31. Review status: criteria provided, single submitter. Criteria: Invitae Variant Classification Sherloc (09022015). Collection method: clinical testing. Allele origin: germline.
Comment: This sequence change replaces glycine with aspartic acid at codon 169 of the DSP protein (p.Gly169Asp). The glycine residue is moderately conserved and there is a moderate physicochemical difference between glycine and aspartic acid. This variant is not present in population databases (ExAC no frequency). This variant has not been reported in the literature in individuals affected with DSP-related conditions. Algorithms developed to predict the effect of missense changes on protein structure and function are either unavailable or do not agree on the potential impact of this missense change (SIFT: "Deleterious"; PolyPhen-2: "Probably Damaging"; Align-GVGD: "Class C0"). In summary, the available evidence is currently insufficient to determine the role of this variant in disease. Therefore, it has been classified as a Variant of Uncertain Significance.